The following is an entry in ClinVar:

Conditions:
Breast-ovarian cancer, familial, susceptibility to, 1 (BROVCA1). Also called: BRCA1 Hereditary Breast and Ovarian Cancer; OVARIAN CANCER, SUSCEPTIBILITY TO. Identifiers: Orphanet 145, MedGen C2676676, MONDO:0011450, OMIM 604370. Disease mechanism: loss of function.

Submission:

Brotman Baty Institute, University of Washington
No classification provided (evidence only). Condition: Breast-ovarian cancer, familial 1. Review status: no classification provided. Collection method: in vitro. Allele origin: not applicable. Functional consequence: functionally_normal.
ClinVar note: "not provided" was previously submitted as the classification for the variant. However, the classification appeared to be based only on an observation of functional data so it was converted to no classification on 2025-07-30.

NM_007294.4(BRCA1):c.5381A>T (p.Glu1794Val)

Gene: BRCA1 (BRCA1 DNA repair associated; minus strand). Cytogenetic location: 17q21.31.
Variant type: single nucleotide variant.
Coding change: c.5381A>T on transcript NM_007294.4 (MANE Select); coding-DNA position 5381, A replaced by T.
Protein change: p.Glu1794Val; replaces glutamic acid 1794 with valine.
Molecular consequence: missense variant. On other transcripts: non-coding transcript variant (1), intron variant (1).
Genome position (GRCh38, 1-based): chr17:43,049,146, T>A on the plus strand (A>T on the coding strand, the complement: BRCA1 is on the minus strand). VCF-style: chr17-43049146-T-A. GRCh37 (hg19) VCF-style: chr17-41201163-T-A.
Other names: c.5168A>T, p.Glu1723Val (NM_001407571.1, NM_001407894.1, NM_001407895.1 and 12 more transcripts); c.5447A>T, p.Glu1816Val (NM_001407581.1, NM_001407582.1); c.5444A>T, p.Glu1815Val (NM_001407583.1, NM_001407585.1, NM_001407587.1 and 1 more transcripts); c.5378A>T, p.Glu1793Val (NM_001407610.1, NM_001407611.1, NM_001407612.1 and 14 more transcripts); c.5375A>T, p.Glu1792Val (NM_001407629.1, NM_001407630.1, NM_001407631.1 and 13 more transcripts); c.5321A>T, p.Glu1774Val (NM_001407649.1); c.5303A>T, p.Glu1768Val (NM_001407652.1, NM_001407653.1, NM_001407654.1 and 1 more transcripts); c.5300A>T, p.Glu1767Val (NM_001407656.1, NM_001407657.1, NM_001407658.1); and 73 more; short protein forms E1747V, E690V, E1794V, E1815V, E1498V, E1725V, E1726V, E1727V.
Identifiers: ClinVar variation 865681 (VCV000865681.3), dbSNP rs2051080642, ClinGen allele CA10590709.